The following is an entry in ClinVar:

NC_000001.10:g.(?_46656135)_(46656466_?)dup

Genes: POMGNT1 (protein O-linked mannose N-acetylglucosaminyltransferase 1 (beta 1,2-); minus strand), TSPAN1 (tetraspanin 1; plus strand). Cytogenetic location: 1p34.1.
Variant type: Duplication.
Identifiers: ClinVar variation 658979 (VCV000658979.6).

ClinVar aggregate classification (germline): Likely pathogenic (1 of 4 stars; one submission).

Conditions:
Autosomal recessive limb-girdle muscular dystrophy type 2O. Also called: Limb-Girdle Muscular Dystrophy Type 3C; MUSCULAR DYSTROPHY-DYSTROGLYCANOPATHY, LIMB-GIRDLE, POMGNT1-RELATED; MUSCULAR DYSTROPHY-DYSTROGLYCANOPATHY (LIMB-GIRDLE), TYPE C, 3. Identifiers: Orphanet 206564, MedGen C3150417, MONDO:0013161, OMIM 613157.
Muscular dystrophy-dystroglycanopathy (congenital with impaired intellectual development), type B, 3. Also called: Muscular dystrophy-dystroglycanopathy (congenital with intellectual disability), type B3; MUSCULAR DYSTROPHY, CONGENITAL, POMGNT1-RELATED. Identifiers: MedGen C3150412, MONDO:0013155, OMIM 613151.

Submission:

Labcorp Genetics (formerly Invitae), Labcorp
Classification: Likely pathogenic for Autosomal recessive limb-girdle muscular dystrophy type 2O; Muscular dystrophy-dystroglycanopathy (congenital with impaired intellectual development), type B, 3. Last evaluated: 2018-07-06. Review status: criteria provided, single submitter. Criteria: Invitae Variant Classification Sherloc (09022015). Collection method: clinical testing. Allele origin: germline.
Comment: This variant results in a copy number gain of the genomic region encompassing exons 18-19 of the POMGNT1 gene. While the exact position of this variant cannot be determined from this data, sub-genic copy number gains are generally in tandem (PMID: 25640679) and may result in an absent or disrupted protein product. This variant has not been reported in the literature in individuals with POMGNT1-related disease. Loss-of-function variants in POMGNT1 are known to be pathogenic (PMID: 19299310). In summary, the currently available evidence indicates that the variant is pathogenic, but additional data are needed to prove that conclusively. Therefore, this variant has been classified as Likely Pathogenic.

Literature cited by the submitters: PubMed 25640679; PubMed 19299310.